The following is an entry in ClinVar:

ClinVar aggregate classification (germline): Likely benign (1 of 4 stars; one submission).

Submission:

Women's Health and Genetics/Laboratory Corporation of America, LabCorp
Classification: Likely benign. Last evaluated: 2025-05-20. Review status: criteria provided, single submitter. Criteria: LabCorp Variant Classification Summary - May 2015. Collection method: clinical testing. Allele origin: germline.
Comment: Variant summary: C1R c.150C>A alters a conserved nucleotide resulting in a synonymous change. Consensus agreement among computation tools predict no significant impact on normal splicing. However, these predictions have yet to be confirmed by functional studies. The frequency data for this variant in gnomAD is considered unreliable, as metrics indicate poor data quality at this position. To our knowledge, no occurrence of c.150C>A in individuals affected with Ehlers-Danlos syndrome, periodontal type 1 and no experimental evidence demonstrating its impact on protein function have been reported. No submitters have cited clinical-significance assessments for this variant to ClinVar. Based on the evidence outlined above, the variant was classified as likely benign.

NM_001733.7(C1R):c.150C>A (p.Val50=)

Gene: C1R (complement C1r; minus strand). Cytogenetic location: 12p13.31.
Variant type: single nucleotide variant.
Coding change: c.150C>A on transcript NM_001733.7 (MANE Select); coding-DNA position 150, C replaced by A.
Protein change: p.Val50=; no amino-acid change (valine 50 retained).
Molecular consequence: synonymous variant.
Genome position (GRCh38, 1-based): chr12:7,091,533, G>T on the plus strand (C>A on the coding strand, the complement: C1R is on the minus strand). VCF-style: chr12-7091533-G-T. GRCh37 (hg19) VCF-style: chr12-7244129-G-T.
Other names: c.192C>A, p.Val64= (NM_001354346.2).
Identifiers: ClinVar variation 3902085 (VCV003902085.1).